The following is an entry in ClinVar:

ClinVar aggregate classification (germline): Likely pathogenic (1 of 4 stars; one submission).

Conditions:
Anemia, nonspherocytic hemolytic, due to G6PD deficiency (CNSHA1). Also called: Hemolytic anemia due to G6PD deficiency; Class I glucose-6-phosphate dehydrogenase deficiency; Favism, susceptibility to; ANEMIA, CONGENITAL, NONSPHEROCYTIC HEMOLYTIC, 1. Identifiers: Orphanet 466026, MedGen C2720289, MONDO:0010480, OMIM 300908.

Submission:

Dunham Lab, University of Washington
Classification: Likely pathogenic for Anemia, nonspherocytic hemolytic, due to G6PD deficiency. Last evaluated: 2022-08-12. Review status: criteria provided, single submitter. Criteria: Bayesian ACMG Guidelines, 2018. Collection method: curation. Allele origin: unknown. Affected: yes.
Comment: Decreased activity in red blood cells of hemizygote (<10%) (PS3). Not observed in gnomAD (PM2). Post_P 0.949 (odds of pathogenicity 168.4, Prior_P 0.1).

Literature cited by the submitters: PubMed 17726510.

NM_001360016.2(G6PD):c.352T>C (p.Tyr118His)

Gene: G6PD (glucose-6-phosphate dehydrogenase; minus strand). Cytogenetic location: Xq28.
Variant type: single nucleotide variant.
Coding change: c.352T>C on transcript NM_001360016.2 (MANE Select); coding-DNA position 352, T replaced by C.
Protein change: p.Tyr118His; replaces tyrosine 118 with histidine.
Molecular consequence: missense variant.
Genome position (GRCh38, 1-based): chrX:154,535,301, A>G on the plus strand (T>C on the coding strand, the complement: G6PD is on the minus strand). VCF-style: chrX-154535301-A-G. GRCh37 (hg19) VCF-style: chrX-153763516-A-G.
Other names: G6PD Bao Loc; c.442T>C, p.Tyr148His (NM_000402.4); c.352T>C, p.Tyr118His (NM_001042351.3); short protein forms Y118H, Y148H.
Identifiers: ClinVar variation 1722719 (VCV001722719.2), dbSNP rs2523271160, ClinGen allele CA415238829.